The following is an entry in ClinVar:

ClinVar aggregate classification (germline): Pathogenic (1 of 4 stars; one submission).

Submission:

Labcorp Genetics (formerly Invitae), Labcorp
Classification: Pathogenic. Last evaluated: 2024-01-24. Review status: criteria provided, single submitter. Criteria: Invitae Variant Classification Sherloc (09022015). Collection method: clinical testing. Allele origin: germline.
Comment: This sequence change creates a premature translational stop signal (p.Thr33Argfs*9) in the IMPG1 gene. It is expected to result in an absent or disrupted protein product. Loss-of-function variants in IMPG1 are known to be pathogenic (PMID: 23993198). This variant is not present in population databases (gnomAD no frequency). This variant has not been reported in the literature in individuals affected with IMPG1-related conditions. ClinVar contains an entry for this variant (Variation ID: 2111573). For these reasons, this variant has been classified as Pathogenic.

Literature cited by the submitters: PubMed 23993198.

NM_001563.4(IMPG1):c.98_102del (p.Thr33fs)

Gene: IMPG1 (interphotoreceptor matrix proteoglycan 1; minus strand). Cytogenetic location: 6q14.1.
Variant type: Deletion.
Coding change: c.98_102del on transcript NM_001563.4 (MANE Select); coding-DNA positions 98 to 102, 5 bases deleted (CTAAA; older notation c.98_102delCTAAA).
Protein change: p.Thr33fs; shifts the reading frame from threonine 33.
Molecular consequence: frameshift variant. On other transcripts: intron variant (1).
Genome position (GRCh38, 1-based): chr6:76,042,092-76,042,096, TTTAG deleted on the plus strand (CTAAA on the coding strand, the reverse complement: IMPG1 is on the minus strand); deleting any 5 consecutive bases within chr6:76,042,092-76,042,099 gives the same sequence; the c. name uses the placement nearest the transcript's 3' end. VCF-style (leftmost placement, unchanged base first): chr6-76042091-CTTTAG-C. GRCh37 (hg19) VCF-style: chr6-76751808-CTTTAG-C.
Other names: c.68-7309_68-7305del (NM_001282368.2); short protein forms T33fs.
Identifiers: ClinVar variation 2111573 (VCV002111573.4), dbSNP rs1783854370, ClinGen allele CA1090692684.